The following is an entry in ClinVar:

ClinVar aggregate classification (germline): Uncertain significance. Review status: criteria provided, multiple submitters, no conflicts (2 of 4 stars). 4 submissions from 4 submitters: Uncertain significance (4). Last evaluated 2024-06-17.

Conditions:
Inborn genetic diseases. Identifiers: MedGen C0950123, MeSH D030342.

Allele frequency attached by ClinVar (database versions not stated): ExAC 0.00001; TOPMed 0.00001; gnomAD exomes 0.00002 and 0.00003; gnomAD 0.00003.
gnomAD v4.1: 55 of 1,613,786 alleles (0.0034%); highest among the groups gnomAD compares: Middle Eastern, 0.016%; no homozygotes.

Submissions (4):

Ambry Genetics
Classification: Uncertain significance for Inborn genetic diseases. Last evaluated: 2024-06-17. Review status: criteria provided, single submitter. Criteria: Ambry Variant Classification Scheme 2023. Collection method: clinical testing. Allele origin: germline.

Blueprint Genetics
Classification: Uncertain significance. Last evaluated: 2024-02-26. Review status: criteria provided, single submitter. Criteria: ACMG Guidelines, 2015. Collection method: clinical testing. Allele origin: germline.

Labcorp Genetics (formerly Invitae), Labcorp
Classification: Uncertain significance. Last evaluated: 2022-07-27. Review status: criteria provided, single submitter. Criteria: Invitae Variant Classification Sherloc (09022015). Collection method: clinical testing. Allele origin: germline.
Comment: This sequence change replaces arginine, which is basic and polar, with glutamine, which is neutral and polar, at codon 245 of the DNAAF4 protein (p.Arg245Gln). This variant is present in population databases (rs777235270, gnomAD 0.007%). This variant has not been reported in the literature in individuals affected with DNAAF4-related conditions. ClinVar contains an entry for this variant (Variation ID: 1004284). Algorithms developed to predict the effect of missense changes on protein structure and function (SIFT, PolyPhen-2, Align-GVGD) all suggest that this variant is likely to be disruptive. In summary, the available evidence is currently insufficient to determine the role of this variant in disease. Therefore, it has been classified as a Variant of Uncertain Significance.

GeneDx
Classification: Uncertain significance. Last evaluated: 2019-04-25. Review status: criteria provided, single submitter. Criteria: GeneDx Variant Classification Process June 2021. Collection method: clinical testing. Allele origin: germline. Affected: yes.
Comment: In silico analysis, which includes protein predictors and evolutionary conservation, supports a deleterious effect; Has not been previously published as pathogenic or benign to our knowledge

NM_130810.4(DNAAF4):c.734G>A (p.Arg245Gln)

Genes: DNAAF4 (dynein axonemal assembly factor 4; minus strand), DNAAF4-CCPG1 (DNAAF4-CCPG1 readthrough (NMD candidate); minus strand). Cytogenetic location: 15q21.3.
Variant type: single nucleotide variant.
Coding change: c.734G>A on transcript NM_130810.4 (MANE Select); coding-DNA position 734, G replaced by A.
Protein change: p.Arg245Gln; replaces arginine 245 with glutamine.
Molecular consequence: missense variant. On other transcripts: non-coding transcript variant (1).
Genome position (GRCh38, 1-based): chr15:55,450,271, C>T on the plus strand (G>A on the coding strand, the complement: DNAAF4 is on the minus strand). VCF-style: chr15-55450271-C-T. GRCh37 (hg19) VCF-style: chr15-55742469-C-T.
Other names: c.734G>A (NM_130810.3); c.734G>A, p.Arg245Gln (NM_001033559.3, NM_001033560.2); short protein forms R245Q.
Identifiers: ClinVar variation 1004284 (VCV001004284.9), dbSNP rs777235270, ClinGen allele CA7574973.